The following is an entry in ClinVar:

ClinVar aggregate classification (germline): Benign (1 of 4 stars; one submission).

Conditions:
Ehlers-Danlos syndrome, classic type, 2 (EDSCL2). Also called: Ehlers-Danlos syndrome, type 2; Ehlers-Danlos syndrome type 2 (formerly); Ehlers-Danlos Syndrome, Classic Type, COL5A2-Related. Identifiers: Orphanet 287, Orphanet 90318, MedGen C0268336, MONDO:0019568, OMIM 130010.

Allele frequency attached by ClinVar (database versions not stated): gnomAD exomes 0.00135; 1000 Genomes Project 0.01158; TOPMed 0.01406; gnomAD 0.01221; 1000 Genomes Project 30x 0.01218.
gnomAD v4.1: 1,906 of 167,378 alleles (1.1%); highest among the groups gnomAD compares: African/African-American, 4.2%; 50 homozygotes.

Submission:

Illumina Laboratory Services, Illumina
Classification: Benign for Ehlers-Danlos syndrome, classic type, 2. Last evaluated: 2018-01-12. Review status: criteria provided, single submitter. Criteria: ICSL Variant Classification Criteria 13 December 2019. Collection method: clinical testing. Allele origin: germline.
Comment: This variant was observed in the ICSL laboratory as part of a predisposition screen in an ostensibly healthy population. It had not been previously curated by ICSL or reported in the Human Gene Mutation Database (HGMD: prior to June 1st, 2018), and was therefore a candidate for classification through an automated scoring system. Utilizing variant allele frequency, disease prevalence and penetrance estimates, and inheritance mode, an automated score was calculated to assess if this variant is too frequent to cause the disease. Based on the score and internal cut-off values, a variant classified as benign is not then subjected to further curation. The score for this variant resulted in a classification of benign for this disease.

NM_000393.5(COL5A2):c.*515C>T

Gene: COL5A2 (collagen type V alpha 2 chain; minus strand). Cytogenetic location: 2q32.2.
Variant type: single nucleotide variant.
Coding change: c.*515C>T on transcript NM_000393.5 (MANE Select); 515 bases downstream of the stop codon, C replaced by T.
Molecular consequence: 3 prime UTR variant.
Genome position (GRCh38, 1-based): chr2:189,033,555, G>A on the plus strand (C>T on the coding strand, the complement: COL5A2 is on the minus strand). VCF-style: chr2-189033555-G-A. GRCh37 (hg19) VCF-style: chr2-189898281-G-A.
Identifiers: ClinVar variation 333120 (VCV000333120.6), dbSNP rs113311693, ClinGen allele CA10613281.